The following is an entry in ClinVar:

ClinVar aggregate classification (germline): Likely pathogenic. Review status: reviewed by expert panel (3 of 4 stars). 2 submissions from 2 submitters: Likely pathogenic (1). 1 of the submissions does not count toward it. Last evaluated 2025-12-02.

Conditions:
Glycogen storage disease, type II (IOPD). Also called: Glucosidase acid-1,4-alpha deficiency; Pompe Disease; Glycogen storage disease type 2; Acid maltase deficiency disease; Aglucosidase alfa; Deficiency of alpha-glucosidase. Identifiers: Orphanet 365, MedGen C0017921, MONDO:0009290, OMIM 232300.

Submissions (2):

ClinGen Lysosomal Storage Disorder Variant Curation Expert Panel
Classification: Likely pathogenic for Glycogen storage disease, type II. Last evaluated: 2025-12-02. Review status: reviewed by expert panel. Criteria: clingen_lsd_acmg_specifications_v2-1. Collection method: curation. Allele origin: germline. Inheritance: Autosomal recessive inheritance.
Comment: The NM_000152.5:c.2238G>T variant in GAA is a missense variant predicted to cause substitution of tryptophan by cysteine at amino acid 746 (p.Trp746Cys). The variant is absent in gnomAD v4.1.0 (PM2_Supporting). The computational predictor REVEL gives a score of 0.917, which is above the threshold of 0.7, evidence that correlates with impact to GAA function (PP3). There is a variant, c.2238G>C, at the same nucleotide position leading to the same amino acid change, classified as pathogenic for Pompe disease by the ClinGen Lysosomal Diseases VCEP (Variation ID: 265160) (PS1). There is a ClinVar entry for this variant (Variation ID: 1972115). In summary, this variant meets the criteria to be classified as likely pathogenic for Pompe disease. GAA-specific ACMG/AMP criteria met, as specified by the ClinGen LD VCEP (Specifications Version 2.0.0): PS1, PM2_Supporting, PP3. (Classification approved by the ClinGen Lysosomal Diseases Variant Curation Expert Panel on December 2, 2025)

Labcorp Genetics (formerly Invitae), Labcorp
Classification: Pathogenic for Glycogen storage disease, type II. Last evaluated: 2022-05-08. Review status: criteria provided, single submitter. Criteria: Invitae Variant Classification Sherloc (09022015). Collection method: clinical testing. Allele origin: germline. Not counted in ClinVar's aggregate classification.
Comment: Advanced modeling of protein sequence and biophysical properties (such as structural, functional, and spatial information, amino acid conservation, physicochemical variation, residue mobility, and thermodynamic stability) performed at Invitae indicates that this missense variant is expected to disrupt GAA protein function. For these reasons, this variant has been classified as Pathogenic. A different variant (c.2238G>C) giving rise to the same protein effect has been determined to be pathogenic (PMID: 18458862, 21232767, 21757382, 23430493, 25093132, 25526786, 27099502). This suggests that this variant is also likely to be causative of disease. This variant is not present in population databases (gnomAD no frequency). This sequence change replaces tryptophan, which is neutral and slightly polar, with cysteine, which is neutral and slightly polar, at codon 746 of the GAA protein (p.Trp746Cys).

Literature cited by the submitters: PubMed 18458862 (cited by Labcorp Genetics (formerly Invitae), Labcorp); PubMed 21232767 (cited by Labcorp Genetics (formerly Invitae), Labcorp); PubMed 21757382 (cited by Labcorp Genetics (formerly Invitae), Labcorp); PubMed 23430493 (cited by Labcorp Genetics (formerly Invitae), Labcorp); PubMed 25093132 (cited by Labcorp Genetics (formerly Invitae), Labcorp); PubMed 25526786 (cited by Labcorp Genetics (formerly Invitae), Labcorp); PubMed 27099502 (cited by Labcorp Genetics (formerly Invitae), Labcorp).

NM_000152.5(GAA):c.2238G>T (p.Trp746Cys)

Gene: GAA (alpha glucosidase; plus strand). Cytogenetic location: 17q25.3.
Variant type: single nucleotide variant.
Coding change: c.2238G>T on transcript NM_000152.5 (MANE Select); coding-DNA position 2238, G replaced by T.
Protein change: p.Trp746Cys; replaces tryptophan 746 with cysteine.
Molecular consequence: missense variant.
Genome position (GRCh38, 1-based): chr17:80,117,016, G>T. VCF-style: chr17-80117016-G-T. GRCh37 (hg19) VCF-style: chr17-78090815-G-T.
Other names: NM_000152.5(GAA):c.2238G>T; p.Trp746Cys; c.2238G>T, p.Trp746Cys (NM_001079803.3, NM_001079804.3, NM_001406741.1 and 1 more transcripts); short protein forms W746C.
Identifiers: ClinVar variation 1972115 (VCV001972115.6), dbSNP rs1800312, ClinGen allele CA401324771.
Genomic context (GRCh38, chr17:80,117,016, plus strand): 5'-TCCCCCTTGCAGGTTCCCCAAGGACTCTAGCACCTGGACTGTGGACCACCAGCTCCTGTG[G>T]GGGGAGGCCCTGCTCATCACCCCAGTGCTCCAGGCCGGGAAGGCCGAAGTGACTGGCTAC-3'
Protein context (NP_000143.2, residues 736-756): STWTVDHQLL[Trp746Cys]GEALLITPVL